The following is an entry in ClinVar:

ClinVar aggregate classification (germline): Uncertain significance (1 of 4 stars; one submission).

Allele frequency attached by ClinVar (database versions not stated): gnomAD exomes below 0.00001 and 0.00001; TOPMed 0.00001.
gnomAD v4.1: 1 of 1,551,672 alleles (0.000064%); highest among the groups gnomAD compares: Non-Finnish European, 0.000087%; no homozygotes.

Submission:

Labcorp Genetics (formerly Invitae), Labcorp
Classification: Uncertain significance. Last evaluated: 2025-04-14. Review status: criteria provided, single submitter. Criteria: Invitae Variant Classification Sherloc (09022015). Collection method: clinical testing. Allele origin: germline.
Comment: This sequence change replaces arginine, which is basic and polar, with tryptophan, which is neutral and slightly polar, at codon 283 of the FOXI3 protein (p.Arg283Trp). This variant is present in population databases (no rsID available, gnomAD 0.002%). This variant has not been reported in the literature in individuals affected with FOXI3-related conditions. ClinVar contains an entry for this variant (Variation ID: 1371132). Experimental studies and prediction algorithms are not available or were not evaluated, and the functional significance of this variant is currently unknown. In summary, the available evidence is currently insufficient to determine the role of this variant in disease. Therefore, it has been classified as a Variant of Uncertain Significance.

NM_001135649.3(FOXI3):c.847A>T (p.Arg283Trp)

Gene: FOXI3 (forkhead box I3; minus strand). Cytogenetic location: 2p11.2.
Variant type: single nucleotide variant.
Coding change: c.847A>T on transcript NM_001135649.3 (MANE Select); coding-DNA position 847, A replaced by T.
Protein change: p.Arg283Trp; replaces arginine 283 with tryptophan.
Molecular consequence: missense variant.
Genome position (GRCh38, 1-based): chr2:88,448,623, T>A on the plus strand (A>T on the coding strand, the complement: FOXI3 is on the minus strand). VCF-style: chr2-88448623-T-A. GRCh37 (hg19) VCF-style: chr2-88748142-T-A.
Other names: short protein forms R283W.
Identifiers: ClinVar variation 1371132 (VCV001371132.6), dbSNP rs917716741, ClinGen allele CA51943854.
Genomic context (GRCh38, chr2:88,448,623, plus strand): 5'-CTCCAGGAGATGAGGCAGTACTCTTGGTGCCCTCCGGAGGCTCTGGGGAGTGGGAAGGCC[T>A]CAGCAGAGTGGAGGGGCTCTCTTCTTCTGGCTTCCCACCCACTCCAGACCCCAATCCTGA-3'
Protein context (NP_001129121.1, residues 273-293): PEEESPSTLL[Arg283Trp]PSHSPEPPEG